The following is an entry in ClinVar:

ClinVar aggregate classification (germline): Uncertain significance. Review status: criteria provided, multiple submitters, no conflicts (2 of 4 stars). 3 submissions from 3 submitters: Uncertain significance (3). Last evaluated 2025-02-23.

Conditions:
Carnitine acylcarnitine translocase deficiency (CACTD). Identifiers: Orphanet 159, MedGen C0342791, MONDO:0008918, OMIM 212138.
Inborn genetic diseases. Identifiers: MedGen C0950123, MeSH D030342.

Allele frequency attached by ClinVar (database versions not stated): ExAC 0.00001; gnomAD exomes 0.00001; gnomAD 0.00002; TOPMed 0.00003.
gnomAD v4.1: 30 of 1,608,758 alleles (0.0019%); highest among the groups gnomAD compares: Middle Eastern, 0.016%; no homozygotes.

Submissions (3):

Ambry Genetics
Classification: Uncertain significance for Inborn genetic diseases. Last evaluated: 2025-02-23. Review status: criteria provided, single submitter. Criteria: Ambry Variant Classification Scheme 2023. Collection method: clinical testing. Allele origin: germline.

Labcorp Genetics (formerly Invitae), Labcorp
Classification: Uncertain significance for Carnitine acylcarnitine translocase deficiency. Last evaluated: 2022-05-18. Review status: criteria provided, single submitter. Criteria: Invitae Variant Classification Sherloc (09022015). Collection method: clinical testing. Allele origin: germline.
Comment: This sequence change replaces alanine, which is neutral and non-polar, with glycine, which is neutral and non-polar, at codon 142 of the SLC25A20 protein (p.Ala142Gly). This variant is present in population databases (rs759262977, gnomAD 0.003%). This variant has not been reported in the literature in individuals affected with SLC25A20-related conditions. ClinVar contains an entry for this variant (Variation ID: 587448). Algorithms developed to predict the effect of missense changes on protein structure and function are either unavailable or do not agree on the potential impact of this missense change (SIFT: "Deleterious"; PolyPhen-2: "Benign"; Align-GVGD: "Class C0"). In summary, the available evidence is currently insufficient to determine the role of this variant in disease. Therefore, it has been classified as a Variant of Uncertain Significance.

Genomic Research Center, Shahid Beheshti University of Medical Sciences
Classification: Uncertain significance for Carnitine acylcarnitine translocase deficiency. Last evaluated: 2018-08-07. Review status: criteria provided, single submitter. Criteria: ACMG Guidelines, 2015. Collection method: clinical testing. Allele origin: inherited. Affected: yes. Observed: 1 variant allele.

NM_000387.6(SLC25A20):c.425C>G (p.Ala142Gly)

Gene: SLC25A20 (solute carrier family 25 member 20; minus strand). Cytogenetic location: 3p21.31.
Variant type: single nucleotide variant.
Coding change: c.425C>G on transcript NM_000387.6 (MANE Select); coding-DNA position 425, C replaced by G.
Protein change: p.Ala142Gly; replaces alanine 142 with glycine.
Molecular consequence: missense variant.
Genome position (GRCh38, 1-based): chr3:48,862,652, G>C on the plus strand (C>G on the coding strand, the complement: SLC25A20 is on the minus strand). VCF-style: chr3-48862652-G-C. GRCh37 (hg19) VCF-style: chr3-48900085-G-C.
Other names: short protein forms A142G.
Identifiers: ClinVar variation 587448 (VCV000587448.7), dbSNP rs759262977, ClinGen allele CA2387395.
Genomic context (GRCh38, chr3:48,862,652, plus strand): 5'-TCCTGGTACAGCTTCTTTGCACAGTCCAAGGTACCAGTGTACTTGCTTTCTCCTGAAGAA[G>C]CCTGAATCTGGGAGGGAGGAGAGGATCATTAAGTCAGAAACATCAGAGTCACAGACCCAG-3'
Protein context (NP_000378.1, residues 132-152): ERIKCLLQIQ[Ala142Gly]SSGESKYTGT